The following is an entry in ClinVar:

ClinVar aggregate classification (germline): Uncertain significance (1 of 4 stars; one submission).

Submission:

Labcorp Genetics (formerly Invitae), Labcorp
Classification: Uncertain significance. Last evaluated: 2020-08-20. Review status: criteria provided, single submitter. Criteria: Invitae Variant Classification Sherloc (09022015). Collection method: clinical testing. Allele origin: germline.
Comment: In summary, the available evidence is currently insufficient to determine the role of this variant in disease. Therefore, it has been classified as a Variant of Uncertain Significance. The current clinical and genetic evidence is not sufficient to establish whether loss-of-function variants in SAMD11 cause disease. This variant is a gross deletion of the genomic region encompassing exon(s) 2 of the SAMD11 gene, which includes the initiator codon. The 5' end of this event is unknown as it extends beyond the assayed region for this gene and therefore may encompass additional genes. The 3' boundary is likely confined to intron 2 of the SAMD11 gene. This is expected to result in an absent or disrupted protein product. This variant has not been reported in the literature in individuals with SAMD11-related conditions. Experimental studies and prediction algorithms are not available or were not evaluated, and the functional significance of this variant is currently unknown.

NC_000001.10:g.(?_861322)_(861413_?)del

Gene: SAMD11 (sterile alpha motif domain containing 11; plus strand). Cytogenetic location: 1p36.33.
Variant type: Deletion.
Identifiers: ClinVar variation 1054540 (VCV001054540.5).